The following is an entry in ClinVar:

ClinVar aggregate classification (germline): Likely benign. Review status: criteria provided, multiple submitters, no conflicts (2 of 4 stars). 2 submissions from 2 submitters: Likely benign (2). Last evaluated 2026-07-01.

Conditions:
DNAJC13-related disorder. Also called: DNAJC13-related condition.

gnomAD v4.1: 942 of 1,613,538 alleles (0.058%); highest among the groups gnomAD compares: African/African-American, 1.1%; 9 homozygotes.

Submissions (2):

CeGaT Center for Human Genetics Tuebingen
Classification: Likely benign. Last evaluated: 2026-07-01. Review status: criteria provided, single submitter. Criteria: CeGaT Center For Human Genetics Tuebingen Variant Classification Criteria Version 2. Collection method: clinical testing. Allele origin: germline. Affected: yes. Observed: 1 variant allele.
Comment: DNAJC13: BS1

PreventionGenetics, part of Exact Sciences
Classification: Likely benign for DNAJC13-related condition. Last evaluated: 2025-09-02. Review status: criteria provided, single submitter. Criteria: ACMG Guidelines, 2015. Collection method: clinical testing. Allele origin: germline.
Comment: This variant is classified as likely benign based on ACMG/AMP sequence variant interpretation guidelines (Richards et al. 2015 PMID: 25741868, with internal and published modifications).

NM_015268.4(DNAJC13):c.5615G>A (p.Arg1872Gln)

Gene: DNAJC13 (DnaJ heat shock protein family (Hsp40) member C13; plus strand). Cytogenetic location: 3q22.1.
Variant type: single nucleotide variant.
Coding change: c.5615G>A on transcript NM_015268.4 (MANE Select); coding-DNA position 5615, G replaced by A.
Protein change: p.Arg1872Gln; replaces arginine 1872 with glutamine.
Molecular consequence: missense variant.
Genome position (GRCh38, 1-based): chr3:132,516,758, G>A. VCF-style: chr3-132516758-G-A. GRCh37 (hg19) VCF-style: chr3-132235602-G-A.
Other names: c.5630G>A, p.Arg1877Gln (NM_001329126.2); short protein forms R1877Q, R1872Q.
Identifiers: ClinVar variation 4980228 (VCV004980228.2).